The following is an entry in ClinVar:

ClinVar aggregate classification (germline): Uncertain significance (1 of 4 stars; one submission).

Conditions:
Ullrich congenital muscular dystrophy 2 (UCMD2). Identifiers: Orphanet 75840, MedGen C4225314, MONDO:0014654, OMIM 616470.
Bethlem myopathy 2 (BTHLM2). Identifiers: Orphanet 536516, Orphanet 610, MedGen C4225313, MONDO:0034022, OMIM 616471.

Submission:

Labcorp Genetics (formerly Invitae), Labcorp
Classification: Uncertain significance for Bethlem myopathy 2; Ullrich congenital muscular dystrophy 2. Last evaluated: 2023-12-31. Review status: criteria provided, single submitter. Criteria: Invitae Variant Classification Sherloc (09022015). Collection method: clinical testing. Allele origin: germline.
Comment: This sequence change replaces alanine, which is neutral and non-polar, with valine, which is neutral and non-polar, at codon 2469 of the COL12A1 protein (p.Ala2469Val). This variant is not present in population databases (gnomAD no frequency). This variant has not been reported in the literature in individuals affected with COL12A1-related conditions. Advanced modeling of protein sequence and biophysical properties (such as structural, functional, and spatial information, amino acid conservation, physicochemical variation, residue mobility, and thermodynamic stability) performed at Invitae indicates that this missense variant is not expected to disrupt COL12A1 protein function with a negative predictive value of 80%. In summary, the available evidence is currently insufficient to determine the role of this variant in disease. Therefore, it has been classified as a Variant of Uncertain Significance.

NM_004370.6(COL12A1):c.7406C>T (p.Ala2469Val)

Gene: COL12A1 (collagen type XII alpha 1 chain; minus strand). Cytogenetic location: 6q13.
Variant type: single nucleotide variant.
Coding change: c.7406C>T on transcript NM_004370.6 (MANE Select); coding-DNA position 7406, C replaced by T.
Protein change: p.Ala2469Val; replaces alanine 2469 with valine.
Molecular consequence: missense variant.
Genome position (GRCh38, 1-based): chr6:75,117,495, G>A on the plus strand (C>T on the coding strand, the complement: COL12A1 is on the minus strand). VCF-style: chr6-75117495-G-A. GRCh37 (hg19) VCF-style: chr6-75827211-G-A.
Other names: c.7406C>T, p.Ala2469Val (NM_001424113.1); c.7385C>T, p.Ala2462Val (NM_001424114.1); c.7133C>T, p.Ala2378Val (NM_001424115.1); c.3914C>T, p.Ala1305Val (NM_001424116.1, NM_080645.3); short protein forms A2462V, A2378V, A1305V, A2469V.
Identifiers: ClinVar variation 2933035 (VCV002933035.3), dbSNP rs2533190805, ClinGen allele CA364746611.
Genomic context (GRCh38, chr6:75,117,495, plus strand): 5'-AAAGATTCAAAGTCGTCCACAATGAACACGTGCCGTTCACTTGGTTTGCTGGCAATGTTG[G>A]CAAGCTCATTGTAGTCGACATCAGCCACACCAACTACAAAGACACTGAACCCTGCAAAGT-3'
Protein context (NP_004361.3, residues 2459-2479): GVADVDYNEL[Ala2469Val]NIASKPSERH